The following is an entry in ClinVar:

NM_000531.6(OTC):c.62T>C (p.Met21Thr)

Gene: OTC (ornithine transcarbamylase; plus strand). Cytogenetic location: Xp11.4.
Variant type: single nucleotide variant.
Coding change: c.62T>C on transcript NM_000531.6 (MANE Select); coding-DNA position 62, T replaced by C.
Protein change: p.Met21Thr; replaces methionine 21 with threonine.
Molecular consequence: missense variant.
Genome position (GRCh38, 1-based): chrX:38,352,758, T>C. VCF-style: chrX-38352758-T-C. GRCh37 (hg19) VCF-style: chrX-38212011-T-C.
Other names: c.62T>C, p.Met21Thr (NM_001407092.1); short protein forms M21T.
Identifiers: ClinVar variation 2636234 (VCV002636234.6), dbSNP rs749285675, ClinGen allele CA10385773.

ClinVar aggregate classification (germline): Uncertain significance. Review status: criteria provided, multiple submitters, no conflicts (2 of 4 stars). 3 submissions from 3 submitters: Uncertain significance (2). 1 of the submissions does not count toward it. Last evaluated 2025-10-15.

Conditions:
OTC-related disorder. Also called: OTC-related condition.
Ornithine carbamoyltransferase deficiency (OTCD). Also called: ORNITHINE TRANSCARBAMYLASE DEFICIENCY; Ornithine Carbamoyltransferase Deficiency Disease; OTC DEFICIENCY; ORNITHINE TRANSCARBAMYLASE DEFICIENCY, HYPERAMMONEMIA DUE TO. Identifiers: Orphanet 664, MedGen C0268542, MONDO:0010703, OMIM 311250.

Allele frequency attached by ClinVar (database versions not stated): gnomAD exomes below 0.00001; ExAC 0.00001.
gnomAD v4.1: 4 of 1,203,360 alleles (0.00033%); highest among the groups gnomAD compares: Admixed American, 0.0087%; no homozygotes.

Submissions (3):

Labcorp Genetics (formerly Invitae), Labcorp
Classification: Uncertain significance for Ornithine carbamoyltransferase deficiency. Last evaluated: 2025-10-15. Review status: criteria provided, single submitter. Criteria: Invitae Variant Classification Sherloc (09022015). Collection method: clinical testing. Allele origin: germline.
Comment: This sequence change replaces methionine, which is neutral and non-polar, with threonine, which is neutral and polar, at codon 21 of the OTC protein (p.Met21Thr). This variant is present in population databases (rs749285675, gnomAD 0.008%). This variant has not been reported in the literature in individuals affected with OTC-related conditions. ClinVar contains an entry for this variant (Variation ID: 2636234). Invitae Evidence Modeling of protein sequence and biophysical properties (such as structural, functional, and spatial information, amino acid conservation, physicochemical variation, residue mobility, and thermodynamic stability) indicates that this missense variant is not expected to disrupt OTC protein function with a negative predictive value of 95%. In summary, the available evidence is currently insufficient to determine the role of this variant in disease. Therefore, it has been classified as a Variant of Uncertain Significance.

All of Us Research Program, National Institutes of Health
Classification: Uncertain significance for Ornithine carbamoyltransferase deficiency. Last evaluated: 2024-04-10. Review status: criteria provided, single submitter. Criteria: ACMG Guidelines, 2015. Collection method: clinical testing. Allele origin: germline. Inheritance: X-linked inheritance. Observed: 2 variant alleles, 2 heterozygotes.
Comment: This study involves interpretation of variants in research participants for the purpose of population health screening. Participant phenotype was not available at the time of variant classification. Additional details can be found in publication PMID: 35346344, PMCID: PMC8962531

PreventionGenetics, part of Exact Sciences
Classification: Uncertain significance for OTC-related condition. Last evaluated: 2024-05-16. Review status: no assertion criteria provided. Collection method: clinical testing. Allele origin: germline. Not counted in ClinVar's aggregate classification.
Comment: The OTC c.62T>C variant is predicted to result in the amino acid substitution p.Met21Thr. To our knowledge, this variant has not been reported in the literature. This variant is reported in 0.0073% of alleles in individuals of Latino descent in gnomAD. At this time, the clinical significance of this variant is uncertain due to the absence of conclusive functional and genetic evidence.